The following is an entry in ClinVar:

ClinVar aggregate classification (germline): Likely benign (1 of 4 stars; one submission).

gnomAD v4.1: 66 of 1,560,270 alleles (0.0042%); highest among the groups gnomAD compares: Middle Eastern, 0.15%; no homozygotes.

Submission:

CeGaT Center for Human Genetics Tuebingen
Classification: Likely benign. Last evaluated: 2026-07-01. Review status: criteria provided, single submitter. Criteria: CeGaT Center For Human Genetics Tuebingen Variant Classification Criteria Version 2. Collection method: clinical testing. Allele origin: germline. Affected: yes. Observed: 1 variant allele.
Comment: MAP2K2: BP4, BP7

NM_030662.4(MAP2K2):c.1047-24G>C

Gene: MAP2K2 (mitogen-activated protein kinase kinase 2; minus strand). Cytogenetic location: 19p13.3.
Variant type: single nucleotide variant.
Coding change: c.1047-24G>C on transcript NM_030662.4 (MANE Select); 24 bases into the intron before coding-DNA position 1047, G replaced by C.
Molecular consequence: intron variant.
Genome position (GRCh38, 1-based): chr19:4,094,522, C>G on the plus strand (G>C on the coding strand, the complement: MAP2K2 is on the minus strand). VCF-style: chr19-4094522-C-G. GRCh37 (hg19) VCF-style: chr19-4094520-C-G.
Other names: c.768-24G>C (NM_001440688.1); c.477-24G>C (NM_001440689.1).
Identifiers: ClinVar variation 5038831 (VCV005038831.1).